The following is an entry in ClinVar:

NM_006206.6(PDGFRA):c.283A>G (p.Thr95Ala)

Gene: PDGFRA (platelet derived growth factor receptor alpha; plus strand). Cytogenetic location: 4q12.
Variant type: single nucleotide variant.
Coding change: c.283A>G on transcript NM_006206.6 (MANE Select); coding-DNA position 283, A replaced by G.
Protein change: p.Thr95Ala; replaces threonine 95 with alanine.
Molecular consequence: missense variant.
Genome position (GRCh38, 1-based): chr4:54,261,328, A>G. VCF-style: chr4-54261328-A-G. GRCh37 (hg19) VCF-style: chr4-55127495-A-G.
Other names: c.283A>G, p.Thr95Ala (NM_001347827.2, NM_001347829.2); c.358A>G, p.Thr120Ala (NM_001347828.2); c.322A>G, p.Thr108Ala (NM_001347830.2); short protein forms T108A, T120A, T95A.
Identifiers: ClinVar variation 1059592 (VCV001059592.9), dbSNP rs1577705610, ClinGen allele CA356888780.
Genomic context (GRCh38, chr4:54,261,328, plus strand): 5'-GAAAACAACAGCGGCCTTTTTGTGACGGTCTTGGAAGTGAGCAGTGCCTCGGCGGCCCAC[A>G]CAGGGTTGTACACTTGCTATTACAACCACACTCAGACAGAAGAGAATGAGCTTGAAGGCA-3'
Protein context (NP_006197.1, residues 85-105): LEVSSASAAH[Thr95Ala]GLYTCYYNHT

ClinVar aggregate classification (germline): Uncertain significance (1 of 4 stars; one submission).

Conditions:
Gastrointestinal stromal tumor. Also called: Gastrointestinal stromal tumor, somatic; Gastrointestinal stroma tumor. Identifiers: Orphanet 44890, MedGen C0238198, MeSH D046152, MONDO:0011719, OMIM 606764, HP:0100723.

Submission:

Labcorp Genetics (formerly Invitae), Labcorp
Classification: Uncertain significance for Gastrointestinal stromal tumor. Last evaluated: 2020-03-04. Review status: criteria provided, single submitter. Criteria: Invitae Variant Classification Sherloc (09022015). Collection method: clinical testing. Allele origin: germline.
Comment: This sequence change replaces threonine with alanine at codon 95 of the PDGFRA protein (p.Thr95Ala). The threonine residue is highly conserved and there is a small physicochemical difference between threonine and alanine. This variant is not present in population databases (ExAC no frequency). This variant has not been reported in the literature in individuals with PDGFRA-related conditions. Algorithms developed to predict the effect of missense changes on protein structure and function are either unavailable or do not agree on the potential impact of this missense change (SIFT: "Tolerated"; PolyPhen-2: "Probably Damaging"; Align-GVGD: "Class C0"). In summary, the available evidence is currently insufficient to determine the role of this variant in disease. Therefore, it has been classified as a Variant of Uncertain Significance.